The following is an entry in ClinVar:

ClinVar aggregate classification (germline): Uncertain significance (1 of 4 stars; one submission).

Conditions:
Hereditary cancer-predisposing syndrome. Also called: Tumor predisposition; Hereditary Cancer Syndrome; Hereditary neoplastic syndrome; Neoplastic Syndromes, Hereditary. Identifiers: Orphanet 140162, MedGen C0027672, MeSH D009386, MONDO:0015356.

Submission:

Ambry Genetics
Classification: Uncertain significance for Hereditary cancer-predisposing syndrome. Last evaluated: 2024-04-12. Review status: criteria provided, single submitter. Criteria: Ambry Variant Classification Scheme 2023. Collection method: clinical testing. Allele origin: germline.
Comment: The p.K367R variant (also known as c.1100A>G), located in coding exon 8 of the POLD1 gene, results from an A to G substitution at nucleotide position 1100. The lysine at codon 367 is replaced by arginine, an amino acid with highly similar properties. This amino acid position is conserved. In addition, this alteration is predicted to be tolerated by in silico analysis. Based on the available evidence, the clinical significance of this variant remains unclear.

NM_002691.4(POLD1):c.1100A>G (p.Lys367Arg)

Gene: POLD1 (DNA polymerase delta 1, catalytic subunit; plus strand). Cytogenetic location: 19q13.33.
Variant type: single nucleotide variant.
Coding change: c.1100A>G on transcript NM_002691.4 (MANE Select); coding-DNA position 1100, A replaced by G.
Protein change: p.Lys367Arg; replaces lysine 367 with arginine.
Molecular consequence: missense variant. On other transcripts: non-coding transcript variant (1).
Genome position (GRCh38, 1-based): chr19:50,403,182, A>G. VCF-style: chr19-50403182-A-G. GRCh37 (hg19) VCF-style: chr19-50906439-A-G.
Other names: c.1100A>G, p.Lys367Arg (NM_001256849.1, NM_001308632.1); short protein forms K367R.
Identifiers: ClinVar variation 3308285 (VCV003308285.1).